The following is an entry in ClinVar:

NM_006182.4(DDR2):c.2323G>T (p.Val775Phe)

Gene: DDR2 (discoidin domain receptor tyrosine kinase 2; plus strand). Cytogenetic location: 1q23.3.
Variant type: single nucleotide variant.
Coding change: c.2323G>T on transcript NM_006182.4 (MANE Select); coding-DNA position 2323, G replaced by T.
Protein change: p.Val775Phe; replaces valine 775 with phenylalanine.
Molecular consequence: missense variant.
Genome position (GRCh38, 1-based): chr1:162,778,619, G>T. VCF-style: chr1-162778619-G-T. GRCh37 (hg19) VCF-style: chr1-162748409-G-T.
Other names: c.2323G>T, p.Val775Phe (NM_001014796.3, NM_001354982.2, NM_001354983.2); short protein forms V775F.
Identifiers: ClinVar variation 1342148 (VCV001342148.2), dbSNP rs2102206250, ClinGen allele CA343417027.
Genomic context (GRCh38, chr1:162,778,619, plus strand): 5'-TTCTTTTCTTTACTTAAATAGGGCAAGTTCACTACAGCAAGTGATGTGTGGGCCTTTGGG[G>T]TTACTTTGTGGGAGACTTTCACCTTTTGTCAAGAACAGCCCTATTCCCAGCTGTCAGATG-3'
Protein context (NP_006173.2, residues 765-785): TTASDVWAFG[Val775Phe]TLWETFTFCQ

ClinVar aggregate classification (germline): Likely pathogenic (0 of 4 stars; one submission).

Conditions:
Spondyloepimetaphyseal dysplasia-short limb-abnormal calcification syndrome (SMED-SL). Also called: SMED short limb-hand type; SMED type 2; Spondylometaepiphyseal dysplasia short limb-abnormal calcification type; Smed short limb-abnormal calcification type; Spondylometaepiphyseal dysplasia, short limb-hand type; SMED, TYPE II. Identifiers: Orphanet 93358, MedGen C1849011, MONDO:0010077, OMIM 271665.

Submission:

Hacettepe Pediatric Genetics Laboratory, Hacettepe University
Classification: Likely pathogenic for Spondyloepimetaphyseal dysplasia-short limb-abnormal calcification syndrome. Last evaluated: 2021-08-10. Review status: no assertion criteria provided. Collection method: clinical testing. Allele origin: germline. Inheritance: Autosomal recessive inheritance. Affected: no and yes. Observed: 2 variant alleles, 2 heterozygotes, 1 homozygote.
Comment: This variant was neither found in ExAC nor 1000G. This change was classified as “likely pathogenic” according to the ACMG guidelines and predicted to be disease causing by in silico analysis such as MutationTaster and SIFT. Radiological investigations demonstrated platyspondyly, a narrow thorax with short broad ribs, short and broad pelvic bones, short and broad tubular bones with irregularities at the metaphyses and epiphyses.